The following is an entry in ClinVar:

ClinVar aggregate classification (germline): Uncertain significance (1 of 4 stars; one submission).

gnomAD v4.1: 4 of 1,613,972 alleles (0.00025%); highest among the groups gnomAD compares: African/African-American, 0.004%; no homozygotes.

Submission:

Labcorp Genetics (formerly Invitae), Labcorp
Classification: Uncertain significance. Last evaluated: 2024-10-10. Review status: criteria provided, single submitter. Criteria: Invitae Variant Classification Sherloc (09022015). Collection method: clinical testing. Allele origin: germline.
Comment: This sequence change replaces alanine, which is neutral and non-polar, with valine, which is neutral and non-polar, at codon 284 of the IRF4 protein (p.Ala284Val). This variant is present in population databases (no rsID available, gnomAD 0.02%). This variant has not been reported in the literature in individuals affected with IRF4-related conditions. An algorithm developed to predict the effect of missense changes on protein structure and function outputs the following: PolyPhen-2: "Benign". The valine amino acid residue is found in multiple mammalian species, which suggests that this missense change does not adversely affect protein function. In summary, the available evidence is currently insufficient to determine the role of this variant in disease. Therefore, it has been classified as a Variant of Uncertain Significance.

NM_002460.4(IRF4):c.851C>T (p.Ala284Val)

Gene: IRF4 (interferon regulatory factor 4; plus strand). Cytogenetic location: 6p25.3.
Variant type: single nucleotide variant.
Coding change: c.851C>T on transcript NM_002460.4 (MANE Select); coding-DNA position 851, C replaced by T.
Protein change: p.Ala284Val; replaces alanine 284 with valine.
Molecular consequence: missense variant. On other transcripts: non-coding transcript variant (1).
Genome position (GRCh38, 1-based): chr6:401,529, C>T. VCF-style: chr6-401529-C-T. GRCh37 (hg19) VCF-style: chr6-401529-C-T.
Other names: c.848C>T, p.Ala283Val (NM_001195286.2); short protein forms A284V, A283V.
Identifiers: ClinVar variation 3677076 (VCV003677076.2).
Genomic context (GRCh38, chr6:401,529, plus strand): 5'-AGGAGCTGACCACGTCCAGCCCCGAGGGCTGCCGGATCTCCCATGGACATACGTATGACG[C>T]CAGCAACCTGGACCAGGTCCTGTTCCCCTACCCAGAGGACAATGGCCAGAGGAAAAACAT-3'
Protein context (NP_002451.2, residues 274-294): CRISHGHTYD[Ala284Val]SNLDQVLFPY